The following is an entry in ClinVar:

NM_003331.5(TYK2):c.3313C>G (p.Pro1105Ala)

Gene: TYK2 (tyrosine kinase 2; minus strand). Cytogenetic location: 19p13.2.
Variant type: single nucleotide variant.
Coding change: c.3313C>G on transcript NM_003331.5 (MANE Select); coding-DNA position 3313, C replaced by G.
Protein change: p.Pro1105Ala; replaces proline 1105 with alanine.
Molecular consequence: missense variant. On other transcripts: intron variant (1).
Genome position (GRCh38, 1-based): chr19:10,352,439, G>C on the plus strand (C>G on the coding strand, the complement: TYK2 is on the minus strand). VCF-style: chr19-10352439-G-C. GRCh37 (hg19) VCF-style: chr19-10463115-G-C.
Other names: c.3313C>G, p.Pro1105Ala (NM_001385197.1, NM_001406461.1); c.3127C>G, p.Pro1043Ala (NM_001385199.1); c.3310C>G, p.Pro1104Ala (NM_001385200.1); c.3115C>G, p.Pro1039Ala (NM_001385201.1); c.3229C>G, p.Pro1077Ala (NM_001385202.1); c.3394C>G, p.Pro1132Ala (NM_001385203.1); c.3523C>G, p.Pro1175Ala (NM_001385204.1); c.3223C>G, p.Pro1075Ala (NM_001385205.1); and 3 more; short protein forms P1077A, P1099A, P1132A, P1175A, P1039A, P1043A, P1105A, P1063A.
Identifiers: ClinVar variation 2013396 (VCV002013396.2), dbSNP rs764595468, ClinGen allele CA403982855.
Genomic context (GRCh38, chr19:10,352,439, plus strand): 5'-TGCCTTTCTAATTGCTCTAGCAAACTCCCGGTGGGGCTGCGGGCCTGGCTCTCACCGTGG[G>C]GGGGCTCTGGCTGGAGTCACAGTGCGTCAGCAGCTCATACAGGGTCACCCCGAAGGACCA-3'
Protein context (NP_003322.3, residues 1095-1115): LTHCDSSQSP[Pro1105Ala]TKFLELIGIA

ClinVar aggregate classification (germline): Uncertain significance (1 of 4 stars; one submission).

Conditions:
Immunodeficiency 35 (IMD35). Also called: Susceptibility to infection due to TYK2 deficiency; HIES WITH ATYPICAL MYCOBACTERIOSIS, AUTOSOMAL RECESSIVE; HYPER-IgE SYNDROME WITH ATYPICAL MYCOBACTERIOSIS, AUTOSOMAL RECESSIVE; TYK2 DEFICIENCY. Identifiers: Orphanet 331226, MedGen C1969086, MONDO:0012682, OMIM 611521.

gnomAD v4.1: 1 of 1,607,566 alleles (0.000062%); highest among the groups gnomAD compares: Non-Finnish European, 0.000085%; no homozygotes.

Submission:

Labcorp Genetics (formerly Invitae), Labcorp
Classification: Uncertain significance for Immunodeficiency 35. Last evaluated: 2025-10-20. Review status: criteria provided, single submitter. Criteria: Invitae Variant Classification Sherloc (09022015). Collection method: clinical testing. Allele origin: germline.
Comment: This sequence change replaces proline, which is neutral and non-polar, with alanine, which is neutral and non-polar, at codon 1105 of the TYK2 protein (p.Pro1105Ala). This variant is not present in population databases (gnomAD no frequency). This variant has not been reported in the literature in individuals affected with TYK2-related conditions. ClinVar contains an entry for this variant (Variation ID: 2013396). Invitae Evidence Modeling of protein sequence and biophysical properties (such as structural, functional, and spatial information, amino acid conservation, physicochemical variation, residue mobility, and thermodynamic stability) indicates that this missense variant is expected to disrupt TYK2 protein function with a positive predictive value of 80%. In summary, the available evidence is currently insufficient to determine the role of this variant in disease. Therefore, it has been classified as a Variant of Uncertain Significance.